The following is an entry in ClinVar:

ClinVar aggregate classification (germline): Uncertain significance (1 of 4 stars; one submission).

Submission:

GeneDx
Classification: Uncertain significance. Last evaluated: 2024-02-13. Review status: criteria provided, single submitter. Criteria: GeneDx Variant Classification Process June 2021. Collection method: clinical testing. Allele origin: germline. Affected: yes.
Comment: Not observed at significant frequency in large population cohorts (gnomAD); Frameshift variant predicted to result in protein truncation or nonsense mediated decay in a gene for which loss-of-function is not an established mechanism of disease; Has not been previously published as pathogenic or benign to our knowledge; Variants in candidate genes are classified as variants of uncertain significance in accordance with ACMG guidelines (PMID: 25741868)

NM_012433.4(SF3B1):c.2297del (p.Thr766fs)

Gene: SF3B1 (splicing factor 3b subunit 1; minus strand). Cytogenetic location: 2q33.1.
Variant type: Deletion.
Coding change: c.2297del on transcript NM_012433.4 (MANE Select); coding-DNA position 2297, one base deleted (C; older notation c.2297delC).
Protein change: p.Thr766fs; shifts the reading frame from threonine 766.
Molecular consequence: frameshift variant.
Genome position (GRCh38, 1-based): chr2:197,401,815, G deleted on the plus strand (C on the coding strand, the reverse complement: SF3B1 is on the minus strand). VCF-style (leftmost placement, unchanged base first): chr2-197401814-AG-A. GRCh37 (hg19) VCF-style: chr2-198266538-AG-A.
Other names: short protein forms T766fs.
Identifiers: ClinVar variation 4755758 (VCV004755758.1).